The following is an entry in ClinVar:

ClinVar aggregate classification (germline): Conflicting classifications of pathogenicity. Review status: criteria provided, conflicting classifications (1 of 4 stars). 3 submissions from 3 submitters: Uncertain significance (1); Likely benign (2). Last evaluated 2026-07-10.

Conditions:
Mulibrey nanism syndrome. Also called: MUSCLE-LIVER-BRAIN-EYE NANISM; PERHEENTUPA SYNDROME; PERICARDIAL CONSTRICTION AND GROWTH FAILURE. Identifiers: Orphanet 2576, MedGen C0524582, MONDO:0009664, OMIM 253250.
TRIM37-related disorder. Also called: TRIM37-related condition.

Allele frequency attached by ClinVar (database versions not stated): gnomAD 0.00006 and 0.00007; TOPMed 0.00008; 1000 Genomes Project 30x 0.00031; 1000 Genomes Project 0.00040.
gnomAD v4.1: 160 of 1,614,006 alleles (0.0099%); highest among the groups gnomAD compares: Middle Eastern, 0.017%; no homozygotes.

Submissions (3):

PreventionGenetics, part of Exact Sciences
Classification: Likely benign for TRIM37-related condition. Last evaluated: 2026-07-10. Review status: criteria provided, single submitter. Criteria: ACMG Guidelines, 2015. Collection method: clinical testing. Allele origin: germline.
Comment: This variant is classified as likely benign based on ACMG/AMP sequence variant interpretation guidelines (Richards et al. 2015 PMID: 25741868, with internal and published modifications).

Labcorp Genetics (formerly Invitae), Labcorp
Classification: Likely benign. Last evaluated: 2025-04-17. Review status: criteria provided, single submitter. Criteria: Invitae Variant Classification Sherloc (09022015). Collection method: clinical testing. Allele origin: germline.

Illumina Laboratory Services, Illumina
Classification: Uncertain significance for Mulibrey nanism syndrome. Last evaluated: 2018-01-13. Review status: criteria provided, single submitter. Criteria: ICSL Variant Classification Criteria 13 December 2019. Collection method: clinical testing. Allele origin: germline.

NM_015294.6(TRIM37):c.2544G>A (p.Ala848=)

Gene: TRIM37 (tripartite motif containing 37; minus strand). Cytogenetic location: 17q22.
Variant type: single nucleotide variant.
Coding change: c.2544G>A on transcript NM_015294.6 (MANE Select); coding-DNA position 2544, G replaced by A.
Protein change: p.Ala848=; no amino-acid change (alanine 848 retained).
Molecular consequence: synonymous variant. On other transcripts: non-coding transcript variant (2).
Genome position (GRCh38, 1-based): chr17:59,015,642, C>T on the plus strand (G>A on the coding strand, the complement: TRIM37 is on the minus strand). VCF-style: chr17-59015642-C-T. GRCh37 (hg19) VCF-style: chr17-57093003-C-T.
Other names: c.2544G>A, p.Ala848= (NM_001005207.5, NM_001320988.3, NM_001320989.3 and 1 more transcripts); c.2442G>A, p.Ala814= (NM_001320987.3, NM_001353082.2); c.2178G>A, p.Ala726= (NM_001320990.3); c.1809G>A, p.Ala603= (NM_001353083.2); c.2082G>A, p.Ala694= (NM_001353085.2); c.2493G>A, p.Ala831= (NM_001353086.2); c.2544G>A (NM_015294.4).
Identifiers: ClinVar variation 324192 (VCV000324192.10), dbSNP rs532325984, ClinGen allele CA8678024.